The following is an entry in ClinVar:

ClinVar aggregate classification (germline): Conflicting classifications of pathogenicity. Review status: criteria provided, conflicting classifications (1 of 4 stars). 4 submissions from 4 submitters: Uncertain significance (3); Likely benign (1). Last evaluated 2025-12-08.

Conditions:
Rotor syndrome (HBLRR). Also called: HYPERBILIRUBINEMIA, ROTOR TYPE, DIGENIC; HYPERBILIRUBINEMIA, ROTOR TYPE. Identifiers: Orphanet 3111, MedGen C0220991, MONDO:0009379, OMIM 237450.
SLCO1B3-related disorder. Also called: SLCO1B3-related condition.

Allele frequency attached by ClinVar (database versions not stated): gnomAD 0.00007; ESP Exome Variant Server 0.00008; ExAC 0.00009; TOPMed 0.00010.
gnomAD v4.1: 98 of 1,591,918 alleles (0.0062%); highest among the groups gnomAD compares: Admixed American, 0.02%; no homozygotes.

Submissions (4):

PreventionGenetics, part of Exact Sciences
Classification: Uncertain significance for SLCO1B3-related condition. Last evaluated: 2025-12-08. Review status: criteria provided, single submitter. Criteria: ACMG Guidelines, 2015. Collection method: clinical testing. Allele origin: germline.
Comment: The SLCO1B3 c.67C>T variant is predicted to result in the amino acid substitution p.Arg23Cys. To our knowledge, this variant has not been reported in the literature. This variant is reported in 0.012% of alleles in individuals of Latino descent in gnomAD. At this time, the clinical significance of this variant is uncertain due to the absence of conclusive functional and genetic evidence.

Ambry Genetics
Classification: Likely benign. Last evaluated: 2024-11-07. Review status: criteria provided, single submitter. Criteria: Ambry Variant Classification Scheme 2023. Collection method: clinical testing. Allele origin: germline.

ARUP Laboratories, Molecular Genetics and Genomics, ARUP Laboratories
Classification: Uncertain significance for Rotor syndrome. Last evaluated: 2023-03-29. Review status: criteria provided, single submitter. Criteria: ARUP Molecular Germline Variant Investigation Process 2024. Collection method: clinical testing. Allele origin: germline.

Revvity Omics, Revvity
Classification: Uncertain significance for Rotor syndrome. Last evaluated: 2022-01-18. Review status: criteria provided, single submitter. Criteria: ACMG Guidelines, 2015. Collection method: clinical testing. Allele origin: germline.

NM_019844.4(SLCO1B3):c.67C>T (p.Arg23Cys)

Genes: SLCO1B3 (solute carrier organic anion transporter family member 1B3; plus strand), SLCO1B3-SLCO1B7 (SLCO1B3-SLCO1B7 readthrough; plus strand). Cytogenetic location: 12p12.2.
Variant type: single nucleotide variant.
Coding change: c.67C>T on transcript NM_019844.4 (MANE Select); coding-DNA position 67, C replaced by T.
Protein change: p.Arg23Cys; replaces arginine 23 with cysteine.
Molecular consequence: missense variant.
Genome position (GRCh38, 1-based): chr12:20,815,805, C>T. VCF-style: chr12-20815805-C-T. GRCh37 (hg19) VCF-style: chr12-20968739-C-T.
Other names: c.67C>T (NM_019844.3, NM_019844.2); c.67C>T, p.Arg23Cys (NM_001371097.1); short protein forms R23C.
Identifiers: ClinVar variation 2436101 (VCV002436101.6), dbSNP rs369736559, ClinGen allele CA6475037.
Genomic context (GRCh38, chr12:20,815,805, plus strand): 5'-CAACATCAACATTTGAATAAAACAGCAGAGTCAGCATCTTCAGAGAAAAAGAAAACAAGA[C>T]GCTGCAATGGATTCAAGGTAGAATGGGTTTTATATTTTCAAACTAAAATAAGTTAATGGA-3'
Protein context (NP_062818.1, residues 13-33): SASSEKKKTR[Arg23Cys]CNGFKMFLAA